The following is an entry in ClinVar:

NM_001127511.3(APC):c.46T>C (p.Ser16Pro)

Gene: APC (APC regulator of Wnt signaling pathway; plus strand). Cytogenetic location: 5q22.2.
Variant type: single nucleotide variant.
Coding change: c.46T>C on transcript NM_001127511.3; coding-DNA position 46, T replaced by C.
Protein change: p.Ser16Pro; replaces serine 16 with proline.
Molecular consequence: missense variant. On other transcripts: 5 prime UTR variant (8), non-coding transcript variant (1), intron variant (5).
Genome position (GRCh38, 1-based): chr5:112,707,763, T>C. VCF-style: chr5-112707763-T-C. GRCh37 (hg19) VCF-style: chr5-112043460-T-C.
Other names: c.-138T>C (NM_001354895.2, NM_001407447.1, NM_001407452.1 and 3 more transcripts); c.46T>C, p.Ser16Pro (NM_001354897.2, NM_001354902.2, NM_001407446.1); c.-1173T>C (NM_001407470.1, NM_001407472.1); c.-19+114T>C (NM_001407448.1, NM_001407450.1, NM_001407457.1 and 1 more transcripts); c.-43+114T>C (NM_001407453.1); short protein forms S16P.
Identifiers: ClinVar variation 469798 (VCV000469798.13), dbSNP rs1554060278, ClinGen allele CA360611747.

ClinVar aggregate classification (germline): Uncertain significance (1 of 4 stars; one submission).

Conditions:
Familial adenomatous polyposis 1 (FAP1). Also called: FAMILIAL ADENOMATOUS POLYPOSIS 1, ATTENUATED; POLYPOSIS, ADENOMATOUS INTESTINAL. Identifiers: MedGen C2713442, MONDO:0021056, OMIM 175100. Disease mechanism: loss of function.

Submission:

Labcorp Genetics (formerly Invitae), Labcorp
Classification: Uncertain significance for Familial adenomatous polyposis 1. Last evaluated: 2025-02-17. Review status: criteria provided, single submitter. Criteria: Invitae Variant Classification Sherloc (09022015). Collection method: clinical testing. Allele origin: germline.
Comment: This variant occurs in a non-coding region of the APC gene. It does not change the encoded amino acid sequence of the APC protein. This variant is not present in population databases (gnomAD no frequency). This variant has not been reported in the literature in individuals affected with APC-related conditions. ClinVar contains an entry for this variant (Variation ID: 469798). Experimental studies and prediction algorithms are not available or were not evaluated, and the functional significance of this variant is currently unknown. In summary, the available evidence is currently insufficient to determine the role of this variant in disease. Therefore, it has been classified as a Variant of Uncertain Significance.